The following is an entry in ClinVar:

ClinVar aggregate classification (germline): Uncertain significance. Review status: criteria provided, multiple submitters, no conflicts (2 of 4 stars). 2 submissions from 2 submitters: Uncertain significance (2). Last evaluated 2022-11-10.

Conditions:
Inborn genetic diseases. Identifiers: MedGen C0950123, MeSH D030342.

Submissions (2):

Ambry Genetics
Classification: Uncertain significance for Inborn genetic diseases. Last evaluated: 2022-11-10. Review status: criteria provided, single submitter. Criteria: Ambry Variant Classification Scheme 2023. Collection method: clinical testing. Allele origin: germline.

Labcorp Genetics (formerly Invitae), Labcorp
Classification: Uncertain significance. Last evaluated: 2022-05-12. Review status: criteria provided, single submitter. Criteria: Invitae Variant Classification Sherloc (09022015). Collection method: clinical testing. Allele origin: germline.
Comment: This sequence change replaces proline, which is neutral and non-polar, with leucine, which is neutral and non-polar, at codon 63 of the CAPN1 protein (p.Pro63Leu). This variant is not present in population databases (gnomAD no frequency). This variant has not been reported in the literature in individuals affected with CAPN1-related conditions. Algorithms developed to predict the effect of missense changes on protein structure and function are either unavailable or do not agree on the potential impact of this missense change (SIFT: "Tolerated"; PolyPhen-2: "Possibly Damaging"; Align-GVGD: "Class C0"). In summary, the available evidence is currently insufficient to determine the role of this variant in disease. Therefore, it has been classified as a Variant of Uncertain Significance.

NM_005186.4(CAPN1):c.188C>T (p.Pro63Leu)

Gene: CAPN1 (calpain 1; plus strand). Cytogenetic location: 11q13.1.
Variant type: single nucleotide variant.
Coding change: c.188C>T on transcript NM_005186.4 (MANE Select); coding-DNA position 188, C replaced by T.
Protein change: p.Pro63Leu; replaces proline 63 with leucine.
Molecular consequence: missense variant. On other transcripts: non-coding transcript variant (1).
Genome position (GRCh38, 1-based): chr11:65,182,889, C>T. VCF-style: chr11-65182889-C-T. GRCh37 (hg19) VCF-style: chr11-64950360-C-T.
Other names: c.188C>T, p.Pro63Leu (NM_001198868.2, NM_001198869.2); c.97C>T, p.Arg33Trp (NM_001198870.1); short protein forms R33W, P63L.
Identifiers: ClinVar variation 1899664 (VCV001899664.4), dbSNP rs1184269173, ClinGen allele CA381240843.